The following is an entry in ClinVar:

NM_032638.5(GATA2):c.920G>A (p.Arg307Gln)

Gene: GATA2 (GATA binding protein 2; minus strand). Cytogenetic location: 3q21.3.
Variant type: single nucleotide variant.
Coding change: c.920G>A on transcript NM_032638.5 (MANE Select); coding-DNA position 920, G replaced by A.
Protein change: p.Arg307Gln; replaces arginine 307 with glutamine.
Molecular consequence: missense variant.
Genome position (GRCh38, 1-based): chr3:128,483,957, C>T on the plus strand (G>A on the coding strand, the complement: GATA2 is on the minus strand). VCF-style: chr3-128483957-C-T. GRCh37 (hg19) VCF-style: chr3-128202800-C-T.
Other names: c.920G>A, p.Arg307Gln (NM_001145661.2, NM_001145662.1); short protein forms R307Q.
Identifiers: ClinVar variation 569292 (VCV000569292.8), dbSNP rs1559986102, ClinGen allele CA354404705.

ClinVar aggregate classification (germline): Uncertain significance (1 of 4 stars; one submission).

Conditions:
Deafness-lymphedema-leukemia syndrome. Also called: Emberger syndrome; Lymphedema, primary, with myelodysplasia. Identifiers: Orphanet 3226, MedGen C3279664, MONDO:0013540, OMIM 614038.
Monocytopenia with susceptibility to infections. Also called: Dendritic cell, monocyte, B lymphocyte, and natural killer lymphocyte deficiency; GATA2 DEFICIENCY; IMMUNODEFICIENCY 21; MONOCYTOPENIA AND MYCOBACTERIAL INFECTION SYNDROME; MONOCYTOPENIA WITH SUSCEPTIBILITY TO MYCOBACTERIAL, FUNGAL, AND PAPILLOMAVIRUS INFECTIONS AND MYELODYSPLASIA; COMBINED IMMUNODEFICIENCY WITH SUSCEPTIBILITY TO MYCOBACTERIAL, VIRAL, AND FUNGAL INFECTIONS. Identifiers: Orphanet 228423, MedGen C3280030, MONDO:0013607, OMIM 614172.

Submission:

Labcorp Genetics (formerly Invitae), Labcorp
Classification: Uncertain significance for Monocytopenia with susceptibility to infections; Deafness-lymphedema-leukemia syndrome. Last evaluated: 2018-06-04. Review status: criteria provided, single submitter. Criteria: Invitae Variant Classification Sherloc (09022015). Collection method: clinical testing. Allele origin: germline.
Comment: This sequence change replaces arginine with glutamine at codon 307 of the GATA2 protein (p.Arg307Gln). The arginine residue is highly conserved and there is a small physicochemical difference between arginine and glutamine. This variant is not present in population databases (ExAC no frequency). This variant has not been reported in the literature in individuals with GATA2-related disease. Algorithms developed to predict the effect of missense changes on protein structure and function are either unavailable or do not agree on the potential impact of this missense change (SIFT: "Tolerated"; PolyPhen-2: "Probably Damaging"; Align-GVGD: "Class C0"). Algorithms developed to predict the effect of sequence changes on RNA splicing suggest that this variant may create or strengthen a splice site, but this prediction has not been confirmed by published transcriptional studies. In summary, the available evidence is currently insufficient to determine the role of this variant in disease. Therefore, it has been classified as a Variant of Uncertain Significance.